The following is an entry in ClinVar:

NM_001754.5(RUNX1):c.97G>C (p.Asp33His)

Gene: RUNX1 (RUNX family transcription factor 1; minus strand). Cytogenetic location: 21q22.12.
Variant type: single nucleotide variant.
Coding change: c.97G>C on transcript NM_001754.5 (MANE Select); coding-DNA position 97, G replaced by C.
Protein change: p.Asp33His; replaces aspartic acid 33 with histidine.
Molecular consequence: missense variant.
Genome position (GRCh38, 1-based): chr21:34,892,925, C>G on the plus strand (G>C on the coding strand, the complement: RUNX1 is on the minus strand). VCF-style: chr21-34892925-C-G. GRCh37 (hg19) VCF-style: chr21-36265222-C-G.
Other names: short protein forms D33H.
Identifiers: ClinVar variation 5028553 (VCV005028553.1).

ClinVar aggregate classification (germline): Uncertain significance (1 of 4 stars; one submission).

Conditions:
Inborn genetic diseases. Identifiers: MedGen C0950123, MeSH D030342.

Submission:

Ambry Genetics
Classification: Uncertain significance for Inborn genetic diseases. Last evaluated: 2026-06-24. Review status: criteria provided, single submitter. Criteria: Ambry Variant Classification Scheme 2023. Collection method: clinical testing. Allele origin: germline.
Comment: The c.97G>C variant (also known as p.D33H), located in coding exon 2 of the RUNX1 gene, results from a G to C substitution at nucleotide position 97. The amino acid change results in aspartic acid to histidine at codon 33, an amino acid with similar properties. However, this change occurs in the last base pair of coding exon 2, which makes it likely to have some effect on normal mRNA splicing. This nucleotide position is well conserved in available vertebrate species. This amino acid position is not well conserved in available vertebrate species. In silico splice site analysis predicts that this alteration will weaken the native splice donor site. RNA studies have demonstrated that this variant results in a splice defect involving exons excluded from naturally occurring transcripts; the clinical impact of this abnormal splicing is unknown at this time (Ambry internal data). In addition, the in silico prediction for the missense substitution of this alteration is inconclusive. Based on the available evidence, the clinical significance of this variant remains unclear.